The following is an entry in ClinVar:

NM_018896.5(CACNA1G):c.2754+4C>T

Gene: CACNA1G (calcium voltage-gated channel subunit alpha1 G; plus strand). Cytogenetic location: 17q21.33.
Variant type: single nucleotide variant.
Coding change: c.2754+4C>T on transcript NM_018896.5 (MANE Select); 4 bases into the intron after coding-DNA position 2754, C replaced by T.
Molecular consequence: intron variant.
Genome position (GRCh38, 1-based): chr17:50,591,857, C>T. VCF-style: chr17-50591857-C-T. GRCh37 (hg19) VCF-style: chr17-48669218-C-T.
Other names: c.2754+4C>T (NM_018896.3, NM_001256325.2, NM_198377.3 and 25 more transcripts).
Identifiers: ClinVar variation 2164543 (VCV002164543.9), dbSNP rs113760990, ClinGen allele CA8652506.
Genomic context (GRCh38, chr17:50,591,857, plus strand): 5'-CTGCCAGACCGGAAGAATTTTGACTCCTTGCTCTGGGCCATCGTCACTGTCTTTCAGGTG[C>T]GAGGGTAACAGGGCAGGGCGTGGACAGGGGCCGTCAGGTGCCCCTAGTATAGGCCCTGAT-3'

ClinVar aggregate classification (germline): Conflicting classifications of pathogenicity. Review status: criteria provided, conflicting classifications (1 of 4 stars). 3 submissions from 3 submitters: Uncertain significance (1); Benign (1); Likely benign (1). Last evaluated 2026-05-12.

Conditions:
Inborn genetic diseases. Identifiers: MedGen C0950123, MeSH D030342.

Allele frequency attached by ClinVar (database versions not stated): 1000 Genomes Project 30x 0.00031; TOPMed 0.00034; ESP Exome Variant Server 0.00049; ExAC 0.00027; 1000 Genomes Project 0.00040; gnomAD 0.00020.
gnomAD v4.1: 287 of 1,613,706 alleles (0.018%); highest among the groups gnomAD compares: African/African-American, 0.037%; 2 homozygotes.

Submissions (3):

GeneDx
Classification: Uncertain significance. Last evaluated: 2026-05-12. Review status: criteria provided, single submitter. Criteria: GeneDx Variant Classification Process June 2021. Collection method: clinical testing. Allele origin: germline.
Comment: In silico analysis suggests this variant may impact gene splicing. In the absence of RNA/functional studies, the actual effect of this sequence change is unknown.; Has not been previously published as pathogenic or benign to our knowledge

Labcorp Genetics (formerly Invitae), Labcorp
Classification: Benign. Last evaluated: 2025-10-26. Review status: criteria provided, single submitter. Criteria: Invitae Variant Classification Sherloc (09022015). Collection method: clinical testing. Allele origin: germline.

Ambry Genetics
Classification: Likely benign for Inborn genetic diseases. Last evaluated: 2022-08-17. Review status: criteria provided, single submitter. Criteria: Ambry Variant Classification Scheme 2023. Collection method: clinical testing. Allele origin: germline.